The following is an entry in ClinVar:

NM_005918.4(MDH2):c.509C>T (p.Thr170Met)

Gene: MDH2 (malate dehydrogenase 2; plus strand). Cytogenetic location: 7q11.23.
Variant type: single nucleotide variant.
Coding change: c.509C>T on transcript NM_005918.4 (MANE Select); coding-DNA position 509, C replaced by T.
Protein change: p.Thr170Met; replaces threonine 170 with methionine.
Molecular consequence: missense variant. On other transcripts: intron variant (1).
Genome position (GRCh38, 1-based): chr7:76,060,452, C>T. VCF-style: chr7-76060452-C-T. GRCh37 (hg19) VCF-style: chr7-75689770-C-T.
Other names: c.188C>T, p.Thr63Met (NM_001282404.2); c.429+2374C>T (NM_001282403.2); short protein forms T170M, T63M.
Identifiers: ClinVar variation 1413849 (VCV001413849.5), dbSNP rs782459104, ClinGen allele CA4305564.

ClinVar aggregate classification (germline): Uncertain significance (1 of 4 stars; one submission).

Allele frequency attached by ClinVar (database versions not stated): TOPMed below 0.00001; gnomAD exomes 0.00001 and 0.00004; ExAC 0.00002.
gnomAD v4.1: 14 of 1,614,102 alleles (0.00087%); highest among the groups gnomAD compares: East Asian, 0.0067%; no homozygotes.

Submission:

Labcorp Genetics (formerly Invitae), Labcorp
Classification: Uncertain significance. Last evaluated: 2022-02-18. Review status: criteria provided, single submitter. Criteria: Invitae Variant Classification Sherloc (09022015). Collection method: clinical testing. Allele origin: germline.
Comment: This sequence change replaces threonine, which is neutral and polar, with methionine, which is neutral and non-polar, at codon 170 of the MDH2 protein (p.Thr170Met). This variant is present in population databases (rs782459104, gnomAD 0.01%). This variant has not been reported in the literature in individuals affected with MDH2-related conditions. Algorithms developed to predict the effect of missense changes on protein structure and function are either unavailable or do not agree on the potential impact of this missense change (SIFT: "Deleterious"; PolyPhen-2: "Probably Damaging"; Align-GVGD: "Class C15"). In summary, the available evidence is currently insufficient to determine the role of this variant in disease. Therefore, it has been classified as a Variant of Uncertain Significance.